The following is an entry in ClinVar:

ClinVar aggregate classification (germline): Likely benign (1 of 4 stars; one submission).

Allele frequency attached by ClinVar (database versions not stated): TOPMed 0.00045.
gnomAD v4.1: 338 of 1,008,748 alleles (0.034%); highest among the groups gnomAD compares: Non-Finnish European, 0.036%; no homozygotes.

Submission:

CeGaT Center for Human Genetics Tuebingen
Classification: Likely benign. Last evaluated: 2024-09-01. Review status: criteria provided, single submitter. Criteria: CeGaT Center For Human Genetics Tuebingen Variant Classification Criteria Version 2. Collection method: clinical testing. Allele origin: germline. Affected: yes. Observed: 2 variant alleles.
Comment: HOXD11: BP4, BP7

NM_021192.3(HOXD11):c.342T>C (p.Ala114=)

Gene: HOXD11 (homeobox D11; plus strand). Cytogenetic location: 2q31.1.
Variant type: single nucleotide variant.
Coding change: c.342T>C on transcript NM_021192.3 (MANE Select); coding-DNA position 342, T replaced by C.
Protein change: p.Ala114=; no amino-acid change (alanine 114 retained).
Molecular consequence: synonymous variant.
Genome position (GRCh38, 1-based): chr2:176,107,697, T>C. VCF-style: chr2-176107697-T-C. GRCh37 (hg19) VCF-style: chr2-176972425-T-C.
Identifiers: ClinVar variation 2651559 (VCV002651559.24), dbSNP rs1167799278, ClinGen allele CA430225361.
Genomic context (GRCh38, chr2:176,107,697, plus strand): 5'-CGGGGGCGGCGGCGGCGCGGGGGGCTACGCTCCCTACTACGCGGCGGCGGCGGCGGCGGC[T>C]GCGGCGGCCGCGGCGGCCGAGGAGGCGGCCATGCAACGCGAGCTTCTCCCGCCCGCGGGC-3'
Protein context (NP_067015.2, residues 104-124): APYYAAAAAA[Ala114=]AAAAAAEEAA